The following is an entry in ClinVar:

NM_001267550.2(TTN):c.45490A>T (p.Lys15164Ter)

Genes: TTN (titin; minus strand), LOC126806427 (BRD4-independent group 4 enhancer GRCh37_chr2:179485777-179486976; plus strand). Cytogenetic location: 2q31.2.
Variant type: single nucleotide variant.
Coding change: c.45490A>T on transcript NM_001267550.2 (MANE Select); coding-DNA position 45490, A replaced by T.
Protein change: p.Lys15164Ter; replaces lysine 15164 with a stop codon.
Molecular consequence: nonsense.
Genome position (GRCh38, 1-based): chr2:178,621,228, T>A on the plus strand (A>T on the coding strand, the complement: TTN is on the minus strand). VCF-style: chr2-178621228-T-A. GRCh37 (hg19) VCF-style: chr2-179485955-T-A.
Other names: c.40567A>T, p.Lys13523Ter (NM_001256850.1); c.18295A>T, p.Lys6099Ter (NM_003319.4); c.37786A>T, p.Lys12596Ter (NM_133378.4); c.18670A>T, p.Lys6224Ter (NM_133432.3); c.18871A>T, p.Lys6291Ter (NM_133437.4); short protein forms K12596*, K13523*, K15164*, K6099*, K6224*, K6291*.
Identifiers: ClinVar variation 4540408 (VCV004540408.1).
Genomic context (GRCh38, chr2:178,621,228, plus strand): 5'-GTAATGTGGCATCTTTCACAACTAGGACCCTCTTTTTACCATCAGCAATAACGTCATATT[T>A]ATCTCCAGATTCAAGTGTCTTATCATCCCTCTTCCACTGGACTGGAAAGCTTTCTTTTGA-3'

ClinVar aggregate classification (germline): Likely pathogenic (1 of 4 stars; one submission).

Conditions:
Dilated cardiomyopathy 1G (CMD1G). Identifiers: Orphanet 154, MedGen C1858763, MONDO:0011400, OMIM 604145.

Submission:

MVZ Medizinische Genetik Mainz
Classification: Likely pathogenic for Dilated cardiomyopathy 1G. Last evaluated: 2025-12-08. Review status: criteria provided, single submitter. Criteria: UK Practice Guidelines For Variant Classification V4 01 2020. Collection method: clinical testing. Allele origin: germline. Inheritance: Autosomal dominant inheritance. Affected: yes. Observed: 1 variant allele.
Comment: ACMG Criteria: PVS1,PM2_SUP